The following is an entry in ClinVar:

NM_001256106.3(CD101):c.2004_2017+6del

Genes: CD101 (CD101 molecule; plus strand), LOC126805841 (BRD4-independent group 4 enhancer GRCh37_chr1:117560254-117561453; plus strand). Cytogenetic location: 1p13.1.
Variant type: Deletion.
Coding change: c.2004_2017+6del on transcript NM_001256106.3 (MANE Select); coding-DNA position 2004 through 6 bases into the intron after coding-DNA position 2017, 20 bases deleted (CGTCACTTTACCAGGTAAGT).
Molecular consequence: splice donor variant.
Genome position (GRCh38, 1-based): chr1:117,018,547-117,018,566, CGTCACTTTACCAGGTAAGT deleted. VCF-style (leftmost placement, unchanged base first): chr1-117018546-CCGTCACTTTACCAGGTAAGT-C. GRCh37 (hg19) VCF-style: chr1-117561168-CCGTCACTTTACCAGGTAAGT-C.
Other names: c.2004_2017+6del (NM_004258.6, NM_001256109.3); c.1818_1831+6del (NM_001256111.3).
Identifiers: ClinVar variation 3052106 (VCV003052106.2), dbSNP rs1292265079, ClinGen allele CA886002017.
Genomic context (GRCh38, chr1:117,018,546, plus strand): 5'-ATTCCCTATACAACAACCGCCCCCCGAGGGCTTCTGCCATCTCTCACCCACTGAGGATAG[CCGTCACTTTACCAGGTAAGT>C]GTGACTTGAAATTAATCCCTGTTTTAAAAACAAACAAATAGCAATCCTCCCATTTTGGGT-3'

ClinVar aggregate classification (germline): Uncertain significance (0 of 4 stars; one submission).

Conditions:
CD101-related disorder. Also called: CD101-related condition.

Allele frequency attached by ClinVar (database versions not stated): TOPMed below 0.00001.

Submission:

PreventionGenetics, part of Exact Sciences
Classification: Uncertain significance for CD101-related condition. Last evaluated: 2023-10-25. Review status: no assertion criteria provided. Collection method: clinical testing. Allele origin: germline.
Comment: The CD101 c.2004_2017+6del20 variant is predicted to result in a frameshift and premature protein termination (p.Val669Glufs*21). This deletion removes the canonical splice donor site at the junction of exon 6 and intron 6 and is predicted to impact splicing (SpliceAI, Jaganathan et al. 2019. PubMed ID: 30661751); however, such prediction programs are imperfect and not equivalent to functional evidence. To our knowledge, this variant has not been reported in the literature or in a large population database, indicating this variant is rare. At this time, the clinical significance of this variant is uncertain due to the absence of conclusive functional and genetic evidence.